The following is an entry in ClinVar:

ClinVar aggregate classification (germline): Likely benign (1 of 4 stars; one submission).

Allele frequency attached by ClinVar (database versions not stated): gnomAD exomes below 0.00001.

Submission:

GeneDx
Classification: Likely benign. Last evaluated: 2013-02-18. Review status: criteria provided, single submitter. Criteria: GeneDx Variant Classification (06012015). Collection method: clinical testing. Allele origin: germline. Affected: yes.
Comment: This variant is considered likely benign or benign based on one or more of the following criteria: it is a conservative change, it occurs at a poorly conserved position in the protein, it is predicted to be benign by multiple in silico algorithms, and/or has population frequency not consistent with disease.

NM_001191061.2(SLC25A22):c.*20C>A

Gene: SLC25A22 (solute carrier family 25 member 22; minus strand). Cytogenetic location: 11p15.5.
Variant type: single nucleotide variant.
Coding change: c.*20C>A on transcript NM_001191061.2 (MANE Select); 20 bases downstream of the stop codon, C replaced by A.
Molecular consequence: 3 prime UTR variant.
Genome position (GRCh38, 1-based): chr11:791,895, G>T on the plus strand (C>A on the coding strand, the complement: SLC25A22 is on the minus strand). VCF-style: chr11-791895-G-T. GRCh37 (hg19) VCF-style: chr11-791895-G-T.
Other names: c.*20C>A (NM_001191060.2, NM_024698.6).
Identifiers: ClinVar variation 207155 (VCV000207155.2), dbSNP rs796053237, ClinGen allele CA318349.
Genomic context (GRCh38, chr11:791,895, plus strand): 5'-TGCTCCGTCCTGGGCTAGCTGCCTGGCTCCAGCCCCACACCGGCCCTGCCCAGCTGGCTG[G>T]GGTGGAGCGGGTGCTGGGCTCAGGCCTGGGGGTCCTGCAGCAGCCCCAGCAGGGACTCCG-3'